The following is an entry in ClinVar:

ClinVar aggregate classification (germline): Uncertain significance (1 of 4 stars; one submission).

Allele frequency attached by ClinVar (database versions not stated): gnomAD exomes below 0.00001.
gnomAD v4.1: 2 of 1,612,894 alleles (0.00012%); highest among the groups gnomAD compares: Non-Finnish European, 0.00017%; no homozygotes.

Submission:

Labcorp Genetics (formerly Invitae), Labcorp
Classification: Uncertain significance. Last evaluated: 2021-04-02. Review status: criteria provided, single submitter. Criteria: Invitae Variant Classification Sherloc (09022015). Collection method: clinical testing. Allele origin: germline.
Comment: This sequence change replaces glutamic acid with lysine at codon 265 of the LONP1 protein (p.Glu265Lys). The glutamic acid residue is weakly conserved and there is a small physicochemical difference between glutamic acid and lysine. This variant is not present in population databases (ExAC no frequency). This variant has not been reported in the literature in individuals with LONP1-related conditions. Algorithms developed to predict the effect of missense changes on protein structure and function (SIFT, PolyPhen-2, Align-GVGD) all suggest that this variant is likely to be tolerated, but these predictions have not been confirmed by published functional studies and their clinical significance is uncertain. In summary, the available evidence is currently insufficient to determine the role of this variant in disease. Therefore, it has been classified as a Variant of Uncertain Significance.

NM_004793.4(LONP1):c.793G>A (p.Glu265Lys)

Gene: LONP1 (lon peptidase 1, mitochondrial; minus strand). Cytogenetic location: 19p13.3.
Variant type: single nucleotide variant.
Coding change: c.793G>A on transcript NM_004793.4 (MANE Select); coding-DNA position 793, G replaced by A.
Protein change: p.Glu265Lys; replaces glutamic acid 265 with lysine.
Molecular consequence: missense variant. On other transcripts: non-coding transcript variant (1).
Genome position (GRCh38, 1-based): chr19:5,711,848, C>T on the plus strand (G>A on the coding strand, the complement: LONP1 is on the minus strand). VCF-style: chr19-5711848-C-T. GRCh37 (hg19) VCF-style: chr19-5711859-C-T.
Other names: c.601G>A, p.Glu201Lys (NM_001276479.2); c.205G>A, p.Glu69Lys (NM_001276480.1); short protein forms E69K, E201K, E265K.
Identifiers: ClinVar variation 1383364 (VCV001383364.8), dbSNP rs2055242360, ClinGen allele CA403538767.